The following is an entry in ClinVar:

ClinVar aggregate classification (germline): Likely benign. Review status: criteria provided, multiple submitters, no conflicts (2 of 4 stars). 4 submissions from 4 submitters: Likely benign (4). Last evaluated 2025-05-08.

Conditions:
Cardiovascular phenotype. Identifiers: MedGen CN230736.
Catecholaminergic polymorphic ventricular tachycardia (CVPT). Also called: Catecholamine-induced polymorphic ventricular tachycardia. Identifiers: Orphanet 3286, MedGen C5574922, MONDO:0017990.
Cardiomyopathy (CMYO). Also called: Cardiomyopathies. Identifiers: Orphanet 167848, MedGen C0878544, MONDO:0004994, HP:0001638. Inheritance: Various modes of inheritance.
Catecholaminergic polymorphic ventricular tachycardia 1. Also called: RYR2-Related Catecholaminergic Polymorphic Ventricular Tachycardia; VENTRICULAR TACHYCARDIA, CATECHOLAMINERGIC POLYMORPHIC, 1, WITH OR WITHOUT ATRIAL DYSFUNCTION AND/OR DILATED CARDIOMYOPATHY; VENTRICULAR TACHYCARDIA, STRESS-INDUCED POLYMORPHIC 1. Identifiers: Orphanet 3286, MedGen C1631597, MONDO:0011484, OMIM 604772.

Allele frequency attached by ClinVar (database versions not stated): gnomAD 0.00001; TOPMed 0.00001; gnomAD exomes 0.00003; ExAC 0.00006.
gnomAD v4.1: 25 of 1,613,256 alleles (0.0015%); highest among the groups gnomAD compares: Non-Finnish European, 0.0018%; no homozygotes.

Submissions (4):

Labcorp Genetics (formerly Invitae), Labcorp
Classification: Likely benign for Catecholaminergic polymorphic ventricular tachycardia 1. Last evaluated: 2025-05-08. Review status: criteria provided, single submitter. Criteria: Invitae Variant Classification Sherloc (09022015). Collection method: clinical testing. Allele origin: germline.

Ambry Genetics
Classification: Likely benign for Cardiovascular phenotype. Last evaluated: 2024-11-17. Review status: criteria provided, single submitter. Criteria: Ambry Variant Classification Scheme 2023. Collection method: clinical testing. Allele origin: germline.

All of Us Research Program, National Institutes of Health
Classification: Likely benign for Catecholaminergic polymorphic ventricular tachycardia. Last evaluated: 2024-07-10. Review status: criteria provided, single submitter. Criteria: ACMG Guidelines, 2015. Collection method: clinical testing. Allele origin: germline. Inheritance: Autosomal dominant inheritance. Observed: 1 variant allele, 1 heterozygote.
Comment: This study involves interpretation of variants in research participants for the purpose of population health screening. Participant phenotype was not available at the time of variant classification. Additional details can be found in publication PMID: 35346344, PMCID: PMC8962531

Color Diagnostics, LLC DBA Color Health
Classification: Likely benign for Cardiomyopathy. Last evaluated: 2021-07-06. Review status: criteria provided, single submitter. Criteria: ACMG Guidelines, 2015. Collection method: clinical testing. Allele origin: germline.

NM_001035.3(RYR2):c.7185G>A (p.Leu2395=)

Gene: RYR2 (ryanodine receptor 2; plus strand). Cytogenetic location: 1q43.
Variant type: single nucleotide variant.
Coding change: c.7185G>A on transcript NM_001035.3 (MANE Select); coding-DNA position 7185, G replaced by A.
Protein change: p.Leu2395=; no amino-acid change (leucine 2395 retained).
Molecular consequence: synonymous variant.
Genome position (GRCh38, 1-based): chr1:237,640,966, G>A. VCF-style: chr1-237640966-G-A. GRCh37 (hg19) VCF-style: chr1-237804266-G-A.
Identifiers: ClinVar variation 723762 (VCV000723762.16), dbSNP rs769210153, ClinGen allele CA075522.